The following is an entry in ClinVar:

ClinVar aggregate classification (germline): Likely benign (0 of 4 stars; one submission).

Conditions:
DENR-related disorder. Also called: DENR-related condition.

Allele frequency attached by ClinVar (database versions not stated): gnomAD 0.00001.

Submission:

PreventionGenetics, part of Exact Sciences
Classification: Likely benign for DENR-related condition. Last evaluated: 2022-12-28. Review status: no assertion criteria provided. Collection method: clinical testing. Allele origin: germline.
Comment: This variant is classified as likely benign based on ACMG/AMP sequence variant interpretation guidelines (Richards et al. 2015 PMID: 25741868, with internal and published modifications).

NM_003677.5(DENR):c.330C>G (p.Thr110=)

Gene: DENR (density regulated re-initiation and release factor; plus strand). Cytogenetic location: 12q24.31.
Variant type: single nucleotide variant.
Coding change: c.330C>G on transcript NM_003677.5 (MANE Select); coding-DNA position 330, C replaced by G.
Protein change: p.Thr110=; no amino-acid change (threonine 110 retained).
Molecular consequence: synonymous variant.
Genome position (GRCh38, 1-based): chr12:122,767,522, C>G. VCF-style: chr12-122767522-C-G. GRCh37 (hg19) VCF-style: chr12-123252069-C-G.
Identifiers: ClinVar variation 3054550 (VCV003054550.2), dbSNP rs1173231247, ClinGen allele CA482224039.